The following is an entry in ClinVar:

NM_001042517.2(DIAPH3):c.1439C>G (p.Thr480Arg)

Gene: DIAPH3 (diaphanous related formin 3; minus strand). Cytogenetic location: 13q21.2.
Variant type: single nucleotide variant.
Coding change: c.1439C>G on transcript NM_001042517.2 (MANE Select); coding-DNA position 1439, C replaced by G.
Protein change: p.Thr480Arg; replaces threonine 480 with arginine.
Molecular consequence: missense variant.
Genome position (GRCh38, 1-based): chr13:59,983,810, G>C on the plus strand (C>G on the coding strand, the complement: DIAPH3 is on the minus strand). VCF-style: chr13-59983810-G-C. GRCh37 (hg19) VCF-style: chr13-60557944-G-C.
Other names: c.1439C>G (NM_001042517.1); c.1406C>G, p.Thr469Arg (NM_001258366.2); c.1301C>G, p.Thr434Arg (NM_001258367.2); c.1229C>G, p.Thr410Arg (NM_001258368.2); c.1439C>G, p.Thr480Arg (NM_001258369.2); c.650C>G, p.Thr217Arg (NM_001258370.2, NM_030932.4); short protein forms T480R, T469R, T217R, T410R, T434R.
Identifiers: ClinVar variation 522938 (VCV000522938.5), dbSNP rs766502252, ClinGen allele CA6996696.

ClinVar aggregate classification (germline): Conflicting classifications of pathogenicity. Review status: criteria provided, conflicting classifications (1 of 4 stars). 2 submissions from 2 submitters: Uncertain significance (1); Likely benign (1). Last evaluated 2025-09-17.

Conditions:
Autosomal dominant auditory neuropathy 1. Also called: AUDITORY NEUROPATHY, NONSYNDROMIC DOMINANT. Identifiers: Orphanet 90635, MedGen C1836743, MONDO:0012196, OMIM 609129.
DIAPH3-related disorder. Also called: DIAPH3-related condition.

Allele frequency attached by ClinVar (database versions not stated): gnomAD 0.00001; TOPMed 0.00001; gnomAD exomes 0.00002; ExAC 0.00003.
gnomAD v4.1: 27 of 1,609,356 alleles (0.0017%); highest among the groups gnomAD compares: Middle Eastern, 0.017%; no homozygotes.

Submissions (2):

PreventionGenetics, part of Exact Sciences
Classification: Uncertain significance for DIAPH3-related condition. Last evaluated: 2025-09-17. Review status: criteria provided, single submitter. Criteria: ACMG Guidelines, 2015. Collection method: clinical testing. Allele origin: germline.
Comment: The DIAPH3 c.1439C>G variant is predicted to result in the amino acid substitution p.Thr480Arg. To our knowledge, this variant has not been reported in the literature. This variant is reported in 0.0065% of alleles in individuals of South Asian descent in gnomAD. At this time, the clinical significance of this variant is uncertain due to the absence of conclusive functional and genetic evidence.

Genomic Research Center, Shahid Beheshti University of Medical Sciences
Classification: Likely benign for Auditory neuropathy, autosomal dominant, 1. Last evaluated: 2020-05-03. Review status: criteria provided, single submitter. Criteria: ACMG Guidelines, 2015. Collection method: clinical testing. Allele origin: unknown. Affected: yes.